The following is an entry in ClinVar:

ClinVar aggregate classification (germline): Likely pathogenic (1 of 4 stars; one submission).

Submission:

Labcorp Genetics (formerly Invitae), Labcorp
Classification: Likely pathogenic. Last evaluated: 2024-10-25. Review status: criteria provided, single submitter. Criteria: Invitae Variant Classification Sherloc (09022015). Collection method: clinical testing. Allele origin: germline.
Comment: This sequence change replaces glycine, which is neutral and non-polar, with aspartic acid, which is acidic and polar, at codon 1116 of the COL2A1 protein (p.Gly1116Asp). This variant is not present in population databases (gnomAD no frequency). This variant has not been reported in the literature in individuals affected with COL2A1-related conditions. ClinVar contains an entry for this variant (Variation ID: 2008843). Invitae Evidence Modeling of protein sequence and biophysical properties (such as structural, functional, and spatial information, amino acid conservation, physicochemical variation, residue mobility, and thermodynamic stability) indicates that this missense variant is expected to disrupt COL2A1 protein function with a positive predictive value of 95%. This variant disrupts the triple helix domain of COL2A1. Glycine residues within the Gly-Xaa-Yaa repeats of the triple helix domain are required for the structure and stability of fibrillar collagens (PMID: 7695699, 8218237, 19344236). In COL2A1, variants affecting these glycine residues are significantly enriched in individuals with disease (PMID: 9016532, 17078022) compared to the general population (ExAC). In summary, the currently available evidence indicates that the variant is pathogenic, but additional data are needed to prove that conclusively. Therefore, this variant has been classified as Likely Pathogenic.

Literature cited by the submitters: PubMed 7695699; PubMed 8218237; PubMed 19344236; PubMed 9016532; PubMed 17078022.

NM_001844.5(COL2A1):c.3347G>A (p.Gly1116Asp)

Gene: COL2A1 (collagen type II alpha 1 chain; minus strand). Cytogenetic location: 12q13.11.
Variant type: single nucleotide variant.
Coding change: c.3347G>A on transcript NM_001844.5 (MANE Select); coding-DNA position 3347, G replaced by A.
Protein change: p.Gly1116Asp; replaces glycine 1116 with aspartic acid.
Molecular consequence: missense variant.
Genome position (GRCh38, 1-based): chr12:47,976,900, C>T on the plus strand (G>A on the coding strand, the complement: COL2A1 is on the minus strand). VCF-style: chr12-47976900-C-T. GRCh37 (hg19) VCF-style: chr12-48370683-C-T.
Other names: c.3140G>A, p.Gly1047Asp (NM_033150.3); short protein forms G1047D, G1116D.
Identifiers: ClinVar variation 2008843 (VCV002008843.4), dbSNP rs2540105931, ClinGen allele CA384539098.
Genomic context (GRCh38, chr12:47,976,900, plus strand): 5'-GTGAAGCCACGGTGTCCCTTCAGGCCTCTCTCGCCAGGCTCTCCAGCCTCTCCTTTGTCA[C>T]CTCTGGGGCCTTGAGGACCCTGGGAACAAGACAGACACCGATTGAGTCAGGTCAGGGCCA-3'
Protein context (NP_001835.3, residues 1106-1126): RGIQGPQGPR[Gly1116Asp]DKGEAGEPGE